The following is an entry in ClinVar:

ClinVar aggregate classification (germline): Pathogenic (1 of 4 stars; one submission).

Conditions:
DYRK1A-related intellectual disability syndrome (MRD7). Also called: Intellectual developmental disorder, autosomal dominant 7; DYRK1A Syndrome. Identifiers: Orphanet 464306, MedGen C5568143, MONDO:0013578, OMIM 614104.

Submission:

Labcorp Genetics (formerly Invitae), Labcorp
Classification: Pathogenic for DYRK1A-related intellectual disability syndrome. Last evaluated: 2021-12-13. Review status: criteria provided, single submitter. Criteria: Invitae Variant Classification Sherloc (09022015). Collection method: clinical testing. Allele origin: germline.
Comment: For these reasons, this variant has been classified as Pathogenic. This premature translational stop signal has been observed in individual(s) with clinical features of DYRK1A-related conditions (Invitae). In at least one individual the variant was observed to be de novo. This variant is not present in population databases (gnomAD no frequency). This sequence change creates a premature translational stop signal (p.Gln576*) in the DYRK1A gene. While this is not anticipated to result in nonsense mediated decay, it is expected to disrupt the last 188 amino acid(s) of the DYRK1A protein.

NM_001347721.2(DYRK1A):c.1699C>T (p.Gln567Ter)

Gene: DYRK1A (dual specificity tyrosine phosphorylation regulated kinase 1A; plus strand). Cytogenetic location: 21q22.13.
Variant type: single nucleotide variant.
Coding change: c.1699C>T on transcript NM_001347721.2 (MANE Select); coding-DNA position 1699, C replaced by T.
Protein change: p.Gln567Ter; replaces glutamine 567 with a stop codon.
Molecular consequence: nonsense. On other transcripts: 3 prime UTR variant (2).
Genome position (GRCh38, 1-based): chr21:37,511,965, C>T. VCF-style: chr21-37511965-C-T. GRCh37 (hg19) VCF-style: chr21-38884268-C-T.
Other names: c.1699C>T, p.Gln567Ter (NM_001347722.2, NM_130436.2); c.1612C>T, p.Gln538Ter (NM_001347723.2); c.1726C>T, p.Gln576Ter (NM_001396.5); c.*102C>T (NM_101395.2); c.*11C>T (NM_130438.2); short protein forms Q538*, Q576*, Q567*.
Identifiers: ClinVar variation 1388377 (VCV001388377.6), dbSNP rs1555994573, ClinGen allele CA409939386.